The following is an entry in ClinVar:

ClinVar aggregate classification (germline): Likely benign. Review status: criteria provided, single submitter (1 of 4 stars). 2 submissions from 2 submitters: Likely benign (1). 1 of the submissions does not count toward it. Last evaluated 2024-11-05.

Conditions:
IFT27-related disorder. Also called: IFT27-related condition.

Allele frequency attached by ClinVar (database versions not stated): gnomAD 0.00001; TOPMed 0.00001; gnomAD exomes 0.00002; ExAC 0.00003.
gnomAD v4.1: 15 of 1,594,710 alleles (0.00094%); highest among the groups gnomAD compares: Admixed American, 0.026%; no homozygotes.

Submissions (2):

Labcorp Genetics (formerly Invitae), Labcorp
Classification: Likely benign. Last evaluated: 2024-11-05. Review status: criteria provided, single submitter. Criteria: Invitae Variant Classification Sherloc (09022015). Collection method: clinical testing. Allele origin: germline.

PreventionGenetics, part of Exact Sciences
Classification: Likely benign for IFT27-related condition. Last evaluated: 2019-09-23. Review status: no assertion criteria provided. Collection method: clinical testing. Allele origin: germline. Not counted in ClinVar's aggregate classification.
Comment: This variant is classified as likely benign based on ACMG/AMP sequence variant interpretation guidelines (Richards et al. 2015 PMID: 25741868, with internal and published modifications).

NM_001177701.3(IFT27):c.429G>A (p.Leu143=)

Genes: CACNG2-DT (CACNG2 divergent transcript; plus strand), IFT27 (intraflagellar transport 27; minus strand). Cytogenetic location: 22q12.3.
Variant type: single nucleotide variant.
Coding change: c.429G>A on transcript NM_001177701.3 (MANE Select); coding-DNA position 429, G replaced by A.
Protein change: p.Leu143=; no amino-acid change (leucine 143 retained).
Molecular consequence: synonymous variant.
Genome position (GRCh38, 1-based): chr22:36,762,937, C>T on the plus strand (G>A on the coding strand, the complement: IFT27 is on the minus strand). VCF-style: chr22-36762937-C-T. GRCh37 (hg19) VCF-style: chr22-37158981-C-T.
Other names: c.429G>A, p.Leu143= (NM_001363003.2); c.426G>A, p.Leu142= (NM_006860.5); c.426G>A (NM_006860.4).
Identifiers: ClinVar variation 1899534 (VCV001899534.7), dbSNP rs773861455, ClinGen allele CA10212346.